The following is an entry in ClinVar:

NM_007294.4(BRCA1):c.4456A>T (p.Ser1486Cys)

Gene: BRCA1 (BRCA1 DNA repair associated; minus strand). Cytogenetic location: 17q21.31.
Variant type: single nucleotide variant.
Coding change: c.4456A>T on transcript NM_007294.4 (MANE Select); coding-DNA position 4456, A replaced by T.
Protein change: p.Ser1486Cys; replaces serine 1486 with cysteine.
Molecular consequence: missense variant. On other transcripts: non-coding transcript variant (1).
Genome position (GRCh38, 1-based): chr17:43,076,516, T>A on the plus strand (A>T on the coding strand, the complement: BRCA1 is on the minus strand). VCF-style: chr17-43076516-T-A. GRCh37 (hg19) VCF-style: chr17-41228533-T-A.
Other names: c.4453A>T, p.Ser1485Cys (NM_001407626.1, NM_001407858.1, NM_001407859.1 and 17 more transcripts); c.4450A>T, p.Ser1484Cys (NM_001407627.1, NM_001407628.1, NM_001407629.1 and 14 more transcripts); c.4447A>T, p.Ser1483Cys (NM_001407644.1, NM_001407645.1); c.4444A>T, p.Ser1482Cys (NM_001407646.1); c.4441A>T, p.Ser1481Cys (NM_001407647.1); c.4399A>T, p.Ser1467Cys (NM_001407648.1); c.4396A>T, p.Ser1466Cys (NM_001407649.1); c.4456A>T, p.Ser1486Cys (NM_001407652.1, NM_001407684.1, NM_001407854.1 and 8 more transcripts); and 68 more; short protein forms S1486C, S1439C, S1507C, S382C, S1190C, S1375C, S1415C, S1437C.
Identifiers: ClinVar variation 37593 (VCV000037593.19), dbSNP rs397507232, ClinGen allele CA002858.

ClinVar aggregate classification (germline): Uncertain significance. Review status: criteria provided, multiple submitters, no conflicts (2 of 4 stars). 7 submissions from 7 submitters: Uncertain significance (4). 3 of the submissions do not count toward it. Last evaluated 2025-11-27.

Conditions:
Malignant tumor of pancreas. Also called: Pancreatic cancer; Malignant pancreatic neoplasm; Cancer of the pancreas. Identifiers: MedGen C0346647, MONDO:0009831.
Hereditary cancer-predisposing syndrome. Also called: Tumor predisposition; Neoplastic Syndromes, Hereditary; Hereditary Cancer Syndrome; Hereditary neoplastic syndrome. Identifiers: Orphanet 140162, MedGen C0027672, MeSH D009386, MONDO:0015356.
Hereditary breast ovarian cancer syndrome. Also called: Hereditary breast and ovarian cancer syndrome (HBOC); Hereditary breast and ovarian cancer syndrome; Hereditary breast and ovarian cancer; Hereditary breast and/or ovarian cancer syndrome; Breast and ovarian cancer; BRCA1- and BRCA2-Associated Hereditary Breast and Ovarian Cancer. Identifiers: Orphanet 145, MedGen C0677776, MeSH D061325, MONDO:0003582. Disease mechanism: loss of function.
Breast-ovarian cancer, familial, susceptibility to, 1 (BROVCA1). Also called: OVARIAN CANCER, SUSCEPTIBILITY TO; BRCA1 Hereditary Breast and Ovarian Cancer. Identifiers: Orphanet 145, MedGen C2676676, MONDO:0011450, OMIM 604370. Disease mechanism: loss of function.
Familial cancer of breast. Also called: Hereditary breast cancer; hereditary breast carcinoma; BREAST CANCER, FAMILIAL. Identifiers: Orphanet 227535, MedGen C0346153, MONDO:0016419, OMIM 114480. Disease mechanism: loss of function.

Allele frequency attached by ClinVar (database versions not stated): gnomAD exomes below 0.00001; ExAC 0.00001.
gnomAD v4.1: 1 of 1,613,876 alleles (0.000062%); highest among the groups gnomAD compares: East Asian, 0.0022%; no homozygotes.

Submissions (7):

Labcorp Genetics (formerly Invitae), Labcorp
Classification: Uncertain significance for Hereditary breast ovarian cancer syndrome. Last evaluated: 2025-11-27. Review status: criteria provided, single submitter. Criteria: Invitae Variant Classification Sherloc (09022015). Collection method: clinical testing. Allele origin: germline.
Comment: This sequence change replaces serine, which is neutral and polar, with cysteine, which is neutral and slightly polar, at codon 1486 of the BRCA1 protein (p.Ser1486Cys). This variant is present in population databases (rs397507232, gnomAD 0.006%). This missense change has been observed in individual(s) with breast and/or ovarian cancer (PMID: 35918668). ClinVar contains an entry for this variant (Variation ID: 37593). Invitae Evidence Modeling of protein sequence and biophysical properties (such as structural, functional, and spatial information, amino acid conservation, physicochemical variation, residue mobility, and thermodynamic stability) indicates that this missense variant is not expected to disrupt BRCA1 protein function with a negative predictive value of 95%. Experimental studies have shown that this missense change does not substantially affect BRCA1 function (PMID: 28781887). In summary, the available evidence is currently insufficient to determine the role of this variant in disease. Therefore, it has been classified as a Variant of Uncertain Significance.

Color Diagnostics, LLC DBA Color Health
Classification: Uncertain significance for Hereditary cancer-predisposing syndrome. Last evaluated: 2025-01-14. Review status: criteria provided, single submitter. Criteria: ACMG Guidelines, 2015. Collection method: clinical testing. Allele origin: germline.
Comment: This missense variant replaces serine with cysteine at codon 1486 of the BRCA1 protein. Computational prediction suggests that this variant may not impact protein structure and function. Multiple functional studies have shown that this variant does not impair BRCA1 protein function in transcription activation, sensitivity to cisplatin and PARP inhibitors and BARD1 binding assays (PMID: 23867111, 26913838, 28781887, 30765603, 32546644). This variant has been detected in a breast cancer case-control meta-analysis in 0/60466 cases and 2/53461 unaffected individuals (PMID: 33471991; Leiden Open Variation Database DB-ID BRCA1_001361). This variant has been identified in 1/251276 chromosomes in the general population by the Genome Aggregation Database (gnomAD). The available clinical evidence is insufficient to determine the role of this variant in disease conclusively. Therefore, this variant is classified as a Variant of Uncertain Significance.

Ambry Genetics
Classification: Uncertain significance for Hereditary cancer-predisposing syndrome. Last evaluated: 2023-03-22. Review status: criteria provided, single submitter. Criteria: Ambry Variant Classification Scheme 2023. Collection method: clinical testing. Allele origin: germline.
Comment: The p.S1486C variant (also known as c.4456A>T), located in coding exon 12 of the BRCA1 gene, results from an A to T substitution at nucleotide position 4456. The serine at codon 1486 is replaced by cysteine, an amino acid with dissimilar properties. This variant was classified as neutral based on both the ability to support proliferation and cisplatin response, from a cDNA-based functional assay that tested the ability of BRCA1 variants to complement BRCA1 deficient mouse embryonic stem cells (Bouwman P et al. Cancer Discov. 2013 Oct;3:1142-55). Using a validated functional assay in combination with a Bayesian hierarchical model (VarCall) to estimate the likelihood of pathogenicity, this alteration was classified as likely not pathogenic (Woods NT et al. Genomic Med. 2016 Mar:16001). This variant also had 115.46% of wildtype activity in a transcription activation assay (Woods NT et al. NPJ Genom Med, 2016 Mar;1:16001-). This amino acid position is not well conserved in available vertebrate species. In addition, the in silico prediction for this alteration is inconclusive. Since supporting evidence is limited at this time, the clinical significance of this alteration remains unclear.

GeneDx
Classification: Uncertain significance. Last evaluated: 2016-11-28. Review status: criteria provided, single submitter. Criteria: GeneDx Variant Classification (06012015). Collection method: clinical testing. Allele origin: germline. Affected: yes.
Comment: This variant is denoted BRCA1 c.4456A>T at the cDNA level, p.Ser1486Cys (S1486C) at the protein level, and results in the change of a Serine to a Cysteine (AGT>TGT). Using alternate nomenclature, this variant would be defined as BRCA1 4575A>T. This variant has been reported to not have a negative impact on transcriptional activation in a luciferase reporter based assay and was also reported to function similarly to wild-type controls in a cisplatin sensitivity assay (Bouwman 2013, Woods 2016). BRCA1 Ser1486Cys was not observed in approximately 6,500 individuals of European and African American ancestry in the NHLBI Exome Sequencing Project, suggesting it is not a common benign variant in these populations. Since Serine and Cysteine differ in polarity, charge, size or other properties, this is considered a non-conservative amino acid substitution. BRCA1 Ser1486Cys occurs at a position that is not conserved and is located within the SCD domain as well as the ATM, CHEK2, and CDK2 binding domains (Narod 2004, Clark 2012). In silico analyses are inconsistent regarding the effect this variant may have on protein structure and function. Based on currently available evidence, it is unclear whether BRCA1 Ser1486Cys is a pathogenic or benign variant. We consider it to be a variant of uncertain significance.

3DMed Clinical Laboratory Inc
Classification: Uncertain significance for Cancer of the pancreas. Last evaluated: 2017-03-30. Review status: no assertion criteria provided. Criteria: ACMG Guidelines, 2015. Collection method: clinical testing. Allele origin: germline. Affected: yes. Not counted in ClinVar's aggregate classification.

Sharing Clinical Reports Project (SCRP)
Classification: Uncertain significance for Breast-ovarian cancer, familial 1. Last evaluated: 2008-01-04. Review status: no assertion criteria provided. Collection method: clinical testing. Allele origin: germline. Not counted in ClinVar's aggregate classification.

Center for Precision Medicine, Meizhou People's Hospital
Classification: Uncertain significance for Familial cancer of breast. Review status: no assertion criteria provided. Collection method: literature only. Allele origin: germline. Affected: yes. Not counted in ClinVar's aggregate classification.

Literature cited by the submitters: PubMed 35918668 (cited by Labcorp Genetics (formerly Invitae), Labcorp); PubMed 28781887 (cited by 3 submitters); PubMed 23867111 (cited by 3 submitters); PubMed 26913838 (cited by Color Diagnostics, LLC DBA Color Health); PubMed 30765603 (cited by Color Diagnostics, LLC DBA Color Health); PubMed 32546644 (cited by Color Diagnostics, LLC DBA Color Health); PubMed 33471991 (cited by Color Diagnostics, LLC DBA Color Health).